The following is an entry in ClinVar:

NM_004168.4(SDHA):c.1886A>C (p.Tyr629Ser)

Gene: SDHA (succinate dehydrogenase complex flavoprotein subunit A; plus strand). Cytogenetic location: 5p15.33.
Variant type: single nucleotide variant.
Coding change: c.1886A>C on transcript NM_004168.4 (MANE Select); coding-DNA position 1886, A replaced by C.
Protein change: p.Tyr629Ser; replaces tyrosine 629 with serine.
Molecular consequence: missense variant.
Genome position (GRCh38, 1-based): chr5:254,484, A>C. VCF-style: chr5-254484-A-C. GRCh37 (hg19) VCF-style: chr5-254599-A-C.
Other names: c.1742A>C, p.Tyr581Ser (NM_001294332.2); c.1643A>C, p.Tyr548Ser (NM_001330758.2); short protein forms Y629S, Y581S, Y548S.
Identifiers: ClinVar variation 539661 (VCV000539661.9), dbSNP rs6960, ClinGen allele CA359002158.

ClinVar aggregate classification (germline): Uncertain significance (1 of 4 stars; one submission).

Conditions:
Mitochondrial complex II deficiency, nuclear type 1. Also called: SUCCINATE CoQ REDUCTASE DEFICIENCY. Identifiers: Orphanet 3208, MedGen C5700310, MONDO:0100294, OMIM 252011.
Pheochromocytoma/paraganglioma syndrome 5. Also called: Paragangliomas 5; SDHA-Related Hereditary Paraganglioma-Pheochromocytoma Syndrome. Identifiers: Orphanet 29072, MedGen C3279992, MONDO:0013602, OMIM 614165.

Submission:

Labcorp Genetics (formerly Invitae), Labcorp
Classification: Uncertain significance for Pheochromocytoma/paraganglioma syndrome 5; Mitochondrial complex II deficiency, nuclear type 1. Last evaluated: 2018-04-16. Review status: criteria provided, single submitter. Criteria: Invitae Variant Classification Sherloc (09022015). Collection method: clinical testing. Allele origin: germline.
Comment: Algorithms developed to predict the effect of missense changes on protein structure and function (SIFT, PolyPhen-2, Align-GVGD) all suggest that this variant is likely to be tolerated, but these predictions have not been confirmed by published functional studies and their clinical significance is uncertain. In summary, the available evidence is currently insufficient to determine the role of this variant in disease. Therefore, it has been classified as a Variant of Uncertain Significance. This variant has not been reported in the literature in individuals with SDHA-related disease. This variant is not present in population databases (ExAC no frequency). This sequence change replaces tyrosine with serine at codon 629 of the SDHA protein (p.Tyr629Ser). The tyrosine residue is moderately conserved and there is a large physicochemical difference between tyrosine and serine.